The following is an entry in ClinVar:

NM_015154.3(MESD):c.573C>T (p.Pro191=)

Gene: MESD (mesoderm development LRP chaperone; minus strand). Cytogenetic location: 15q25.1.
Variant type: single nucleotide variant.
Coding change: c.573C>T on transcript NM_015154.3 (MANE Select); coding-DNA position 573, C replaced by T.
Protein change: p.Pro191=; no amino-acid change (proline 191 retained).
Molecular consequence: synonymous variant. On other transcripts: non-coding transcript variant (1).
Genome position (GRCh38, 1-based): chr15:80,979,351, G>A on the plus strand (C>T on the coding strand, the complement: MESD is on the minus strand). VCF-style: chr15-80979351-G-A. GRCh37 (hg19) VCF-style: chr15-81271692-G-A.
Other names: c.573C>T (NM_015154.2).
Identifiers: ClinVar variation 2074932 (VCV002074932.6), dbSNP rs141116939, ClinGen allele CA7693879.

ClinVar aggregate classification (germline): Benign. Review status: criteria provided, single submitter (1 of 4 stars). 2 submissions from 2 submitters: Benign (1). 1 of the submissions does not count toward it. Last evaluated 2025-08-06.

Conditions:
MESD-related disorder. Also called: MESD-related condition.

Allele frequency attached by ClinVar (database versions not stated): gnomAD exomes 0.00010; ExAC 0.00040; gnomAD 0.00095; TOPMed 0.00107; ESP Exome Variant Server 0.00115; 1000 Genomes Project 0.00120; 1000 Genomes Project 30x 0.00141.
gnomAD v4.1: 293 of 1,613,906 alleles (0.018%); highest among the groups gnomAD compares: African/African-American, 0.34%; no homozygotes.

Submissions (2):

Labcorp Genetics (formerly Invitae), Labcorp
Classification: Benign. Last evaluated: 2025-08-06. Review status: criteria provided, single submitter. Criteria: Invitae Variant Classification Sherloc (09022015). Collection method: clinical testing. Allele origin: germline.

PreventionGenetics, part of Exact Sciences
Classification: Likely benign for MESD-related condition. Last evaluated: 2024-02-05. Review status: no assertion criteria provided. Collection method: clinical testing. Allele origin: germline. Not counted in ClinVar's aggregate classification.
Comment: This variant is classified as likely benign based on ACMG/AMP sequence variant interpretation guidelines (Richards et al. 2015 PMID: 25741868, with internal and published modifications).